The following is an entry in ClinVar:

ClinVar aggregate classification (germline): Uncertain significance (1 of 4 stars; one submission).

Conditions:
Inborn genetic diseases. Identifiers: MedGen C0950123, MeSH D030342.

gnomAD v4.1: 2 of 1,614,006 alleles (0.00012%); highest among the groups gnomAD compares: East Asian, 0.0022%; no homozygotes.

Submission:

Ambry Genetics
Classification: Uncertain significance for Inborn genetic diseases. Last evaluated: 2026-08-31. Review status: criteria provided, single submitter. Criteria: Ambry Variant Classification Scheme 2023. Collection method: clinical testing. Allele origin: germline.
Comment: The c.3121C>T (p.H1041Y) alteration is located in exon 24 (coding exon 24) of the CDC42BPB gene. This alteration results from a C to T substitution at nucleotide position 3121, causing the histidine (H) at amino acid position 1041 to be replaced by a tyrosine (Y). Based on data from gnomAD, the T allele has an overall frequency of <0.001% (1/250376) total alleles studied. The highest observed frequency was 0.005% (1/18382) of East Asian alleles. Based on insufficient or conflicting evidence, the clinical significance of this alteration remains unclear.

NM_006035.4(CDC42BPB):c.3121C>T (p.His1041Tyr)

Gene: CDC42BPB (CDC42 binding protein kinase beta; minus strand). Cytogenetic location: 14q32.32.
Variant type: single nucleotide variant.
Coding change: c.3121C>T on transcript NM_006035.4 (MANE Select); coding-DNA position 3121, C replaced by T.
Protein change: p.His1041Tyr; replaces histidine 1041 with tyrosine.
Molecular consequence: missense variant.
Genome position (GRCh38, 1-based): chr14:102,952,549, G>A on the plus strand (C>T on the coding strand, the complement: CDC42BPB is on the minus strand). VCF-style: chr14-102952549-G-A. GRCh37 (hg19) VCF-style: chr14-103418886-G-A.
Other names: c.3043C>T, p.His1015Tyr (NM_001411054.1); short protein forms H1015Y, H1041Y.
Identifiers: ClinVar variation 5033824 (VCV005033824.1).